The following is an entry in ClinVar:

ClinVar aggregate classification (germline): Uncertain significance. Review status: criteria provided, multiple submitters, no conflicts (2 of 4 stars). 3 submissions from 3 submitters: Uncertain significance (3). Last evaluated 2025-11-08.

Conditions:
Inborn genetic diseases. Identifiers: MedGen C0950123, MeSH D030342.
Hajdu-Cheney syndrome (HJCYS). Also called: ACROOSTEOLYSIS WITH OSTEOPOROSIS AND CHANGES IN SKULL AND MANDIBLE; SERPENTINE FIBULA-POLYCYSTIC KIDNEY SYNDROME; Acroosteolysis dominant type. Identifiers: Orphanet 955, MedGen C0917715, MONDO:0007057, OMIM 102500.
Alagille syndrome due to a NOTCH2 point mutation. Also called: Alagille syndrome 2. Identifiers: Orphanet 261629, Orphanet 52, MedGen C1857761, MONDO:0012439, OMIM 610205.

Allele frequency attached by ClinVar (database versions not stated): gnomAD 0.00001; gnomAD exomes 0.00001; TOPMed 0.00002.
gnomAD v4.1: 12 of 1,614,060 alleles (0.00074%); highest among the groups gnomAD compares: African/African-American, 0.0053%; no homozygotes.

Submissions (3):

Labcorp Genetics (formerly Invitae), Labcorp
Classification: Uncertain significance for Hajdu-Cheney syndrome. Last evaluated: 2025-11-08. Review status: criteria provided, single submitter. Criteria: Invitae Variant Classification Sherloc (09022015). Collection method: clinical testing. Allele origin: germline.
Comment: This sequence change replaces arginine, which is basic and polar, with glutamine, which is neutral and polar, at codon 1231 of the NOTCH2 protein (p.Arg1231Gln). This variant is present in population databases (no rsID available, gnomAD 0.007%). This variant has not been reported in the literature in individuals affected with NOTCH2-related conditions. ClinVar contains an entry for this variant (Variation ID: 3001540). Invitae Evidence Modeling of protein sequence and biophysical properties (such as structural, functional, and spatial information, amino acid conservation, physicochemical variation, residue mobility, and thermodynamic stability) indicates that this missense variant is not expected to disrupt NOTCH2 protein function with a negative predictive value of 80%. In summary, the available evidence is currently insufficient to determine the role of this variant in disease. Therefore, it has been classified as a Variant of Uncertain Significance.

Fulgent Genetics
Classification: Uncertain significance for Hajdu-Cheney syndrome; Alagille syndrome due to a NOTCH2 point mutation. Last evaluated: 2024-02-06. Review status: criteria provided, single submitter. Criteria: ACMG Guidelines, 2015. Collection method: clinical testing. Allele origin: germline.

Ambry Genetics
Classification: Uncertain significance for Inborn genetic diseases. Last evaluated: 2023-12-11. Review status: criteria provided, single submitter. Criteria: Ambry Variant Classification Scheme 2023. Collection method: clinical testing. Allele origin: germline.

NM_024408.4(NOTCH2):c.3692G>A (p.Arg1231Gln)

Gene: NOTCH2 (notch receptor 2; minus strand). Cytogenetic location: 1p12.
Variant type: single nucleotide variant.
Coding change: c.3692G>A on transcript NM_024408.4 (MANE Select); coding-DNA position 3692, G replaced by A.
Protein change: p.Arg1231Gln; replaces arginine 1231 with glutamine.
Molecular consequence: missense variant.
Genome position (GRCh38, 1-based): chr1:119,929,176, C>T on the plus strand (G>A on the coding strand, the complement: NOTCH2 is on the minus strand). VCF-style: chr1-119929176-C-T. GRCh37 (hg19) VCF-style: chr1-120471799-C-T.
Other names: c.3692G>A (NM_024408.3); short protein forms R1231Q.
Identifiers: ClinVar variation 3001540 (VCV003001540.5), dbSNP rs1366907623, ClinGen allele CA341894613.